The following is an entry in ClinVar:

NM_001128840.3(CACNA1D):c.4257G>C (p.Lys1419Asn)

Gene: CACNA1D (calcium voltage-gated channel subunit alpha1 D; plus strand). Cytogenetic location: 3p21.1.
Variant type: single nucleotide variant.
Coding change: c.4257G>C on transcript NM_001128840.3 (MANE Select); coding-DNA position 4257, G replaced by C.
Protein change: p.Lys1419Asn; replaces lysine 1419 with asparagine.
Molecular consequence: missense variant.
Genome position (GRCh38, 1-based): chr3:53,775,940, G>C. VCF-style: chr3-53775940-G-C. GRCh37 (hg19) VCF-style: chr3-53809967-G-C.
Other names: c.4317G>C, p.Lys1439Asn (NM_000720.4); c.4212G>C, p.Lys1404Asn (NM_001128839.3); short protein forms K1439N, K1404N, K1419N.
Identifiers: ClinVar variation 1955645 (VCV001955645.5), dbSNP rs773003868, ClinGen allele CA74848485.
Genomic context (GRCh38, chr3:53,775,940, plus strand): 5'-AAAAAGGTGTGCAACAGGTGAGGCCTGGCAGGAGATCATGCTGGCCTGTCTCCCAGGGAA[G>C]CTCTGTGACCCTGAGTCAGATTACAACCCCGGGGAGGAGTATACATGTGGGAGCAACTTT-3'
Protein context (NP_001122312.1, residues 1409-1429): QEIMLACLPG[Lys1419Asn]LCDPESDYNP

ClinVar aggregate classification (germline): Uncertain significance (1 of 4 stars; one submission).

Allele frequency attached by ClinVar (database versions not stated): TOPMed below 0.00001; gnomAD 0.00001.
gnomAD v4.1: 6 of 1,613,972 alleles (0.00037%); highest among the groups gnomAD compares: African/African-American, 0.0013%; no homozygotes.

Submission:

Labcorp Genetics (formerly Invitae), Labcorp
Classification: Uncertain significance. Last evaluated: 2022-02-21. Review status: criteria provided, single submitter. Criteria: Invitae Variant Classification Sherloc (09022015). Collection method: clinical testing. Allele origin: germline.
Comment: In summary, the available evidence is currently insufficient to determine the role of this variant in disease. Therefore, it has been classified as a Variant of Uncertain Significance. Algorithms developed to predict the effect of missense changes on protein structure and function are either unavailable or do not agree on the potential impact of this missense change (SIFT: "Tolerated"; PolyPhen-2: "Probably Damaging"; Align-GVGD: "Class C0"). This variant has not been reported in the literature in individuals affected with CACNA1D-related conditions. This variant is not present in population databases (gnomAD no frequency). This sequence change replaces lysine, which is basic and polar, with asparagine, which is neutral and polar, at codon 1439 of the CACNA1D protein (p.Lys1439Asn).